The following is an entry in ClinVar:

NM_000218.3(KCNQ1):c.1514+36078T>C

Genes: KCNQ1 (potassium voltage-gated channel subfamily Q member 1; plus strand), KCNQ1OT1 (KCNQ1 opposite strand/antisense transcript 1; minus strand). Cytogenetic location: 11p15.5.
Variant type: single nucleotide variant.
Coding change: c.1514+36078T>C on transcript NM_000218.3 (MANE Select); 36078 bases into the intron after coding-DNA position 1514, T replaced by C.
Molecular consequence: intron variant. On other transcripts: non-coding transcript variant (1).
Genome position (GRCh38, 1-based): chr11:2,698,159, T>C. VCF-style: chr11-2698159-T-C. GRCh37 (hg19) VCF-style: chr11-2719389-T-C.
Other names: c.1244+36078T>C (NM_001406837.1); c.1418+36078T>C (NM_001406836.1); c.974+36078T>C (NM_001406838.1); c.1133+36078T>C (NM_181798.2).
Identifiers: ClinVar variation 3037650 (VCV003037650.2), dbSNP rs10741690, ClinGen allele CA13406530.

ClinVar aggregate classification (germline): Benign (0 of 4 stars; one submission).

Conditions:
KCNQ1-related disorder. Also called: KCNQ1-related condition; KCNQ1-related disorders. Identifiers: MedGen CN239322.

Allele frequency attached by ClinVar (database versions not stated): gnomAD exomes 0.54133; gnomAD 0.56810; TOPMed 0.56913; 1000 Genomes Project 30x 0.68926; 1000 Genomes Project 0.69629.
gnomAD v4.1: 219,234 of 398,378 alleles (55%); highest among the groups gnomAD compares: East Asian, 99%; 64,968 homozygotes.

Submission:

PreventionGenetics, part of Exact Sciences
Classification: Benign for KCNQ1-related condition. Last evaluated: 2019-06-11. Review status: no assertion criteria provided. Collection method: clinical testing. Allele origin: germline.
Comment: This variant is classified as benign based on ACMG/AMP sequence variant interpretation guidelines (Richards et al. 2015 PMID: 25741868, with internal and published modifications).